The following is an entry in ClinVar:

ClinVar aggregate classification (germline): Pathogenic. Review status: criteria provided, multiple submitters, no conflicts (2 of 4 stars). 3 submissions from 3 submitters: Pathogenic (3). Last evaluated 2026-09-08.

Conditions:
Fabry disease. Also called: GLA DEFICIENCY; HEREDITARY DYSTOPIC LIPIDOSIS; Fabry's disease; Angiokeratoma corporis diffusum; Ceramide trihexosidosis; ALPHA-GALACTOSIDASE A DEFICIENCY. Identifiers: Orphanet 324, MedGen C0002986, MONDO:0010526, OMIM 301500, HP:0001071. Disease mechanism: loss of function, Fabry disease is due to inactivating mutations in the X-linked GLA gene resulting in deficiency of the enzyme Alpha Galactosidase-A..
GLA-related disorder. Also called: GLA-related condition.

Submissions (3):

Genomenon, Inc
Classification: Pathogenic for Fabry disease. Last evaluated: 2026-09-08. Review status: criteria provided, single submitter. Criteria: Genomenon Sequence Variant Interpretation Standards - Updated. Collection method: curation. Allele origin: germline. Affected: yes.
Comment: GLA p.Asp93Asn (c.277G>A) is a missense variant that changes the amino acid at codon 93 from Aspartic acid to Asparagine. This variant has been observed in at least one proband with clinical features consistent with Fabry disease (PMID:39595144;23826564;19621417;29548035;20628902;25955246;34906154;15806320;35338595). The variant was found to segregate with disease in at least one affected family (PMID:19621417;34906154). At least one functional study has demonstrated a substantial alteration in protein function relative to the wild-type (PMID:19621417;27657681). This variant is located in a mutational hotspot and/or important functional domain. It is absent or not present at a significant frequency in gnomAD. In silico models predict that this variant is possibly or probably damaging. In conclusion, we classify GLA p.Asp93Asn (c.277G>A) as a pathogenic variant.

Blueprint Genetics
Classification: Pathogenic for GLA-related disorders. Last evaluated: 2022-02-21. Review status: criteria provided, single submitter. Criteria: ACMG Guidelines, 2015. Collection method: clinical testing. Allele origin: germline. Affected: yes. Observed: 2 variant alleles.

Labcorp Genetics (formerly Invitae), Labcorp
Classification: Pathogenic for Fabry disease. Last evaluated: 2019-07-22. Review status: criteria provided, single submitter. Criteria: Invitae Variant Classification Sherloc (09022015). Collection method: clinical testing. Allele origin: germline.
Comment: This sequence change replaces aspartic acid with asparagine at codon 93 of the GLA protein (p.Asp93Asn). The aspartic acid residue is highly conserved and there is a small physicochemical difference between aspartic acid and asparagine. This variant is not present in population databases (ExAC no frequency). This variant has been observed in individuals affected with Fabry disease (PMID: 15806320, 15712228, Invitae). Algorithms developed to predict the effect of missense changes on protein structure and function are either unavailable or do not agree on the potential impact of this missense change (SIFT: "Deleterious"; PolyPhen-2: "Probably Damaging"; Align-GVGD: "Class C15"). This variant disrupts the p.Asp93 amino acid residue in GLA. Other variant(s) that disrupt this residue have been observed in individuals with GLA-related conditions (PMID: 18297328, 23935525, 8875188, 18205205, 16595074, 21972175), which suggests that this may be a clinically significant amino acid residue. For these reasons, this variant has been classified as Pathogenic.

Literature cited by the submitters: PubMed 39595144 (cited by Genomenon, Inc); PubMed 23826564 (cited by Genomenon, Inc); PubMed 19621417 (cited by Genomenon, Inc); PubMed 29548035 (cited by Genomenon, Inc); PubMed 20628902 (cited by Genomenon, Inc); PubMed 25955246 (cited by Genomenon, Inc); PubMed 34906154 (cited by Genomenon, Inc); PubMed 15806320 (cited by Genomenon, Inc and Labcorp Genetics (formerly Invitae), Labcorp); PubMed 35338595 (cited by Genomenon, Inc); PubMed 27657681 (cited by Genomenon, Inc); PubMed 15712228 (cited by Labcorp Genetics (formerly Invitae), Labcorp); PubMed 18297328 (cited by Labcorp Genetics (formerly Invitae), Labcorp); PubMed 23935525 (cited by Labcorp Genetics (formerly Invitae), Labcorp); PubMed 8875188 (cited by Labcorp Genetics (formerly Invitae), Labcorp); PubMed 18205205 (cited by Labcorp Genetics (formerly Invitae), Labcorp); PubMed 16595074 (cited by Labcorp Genetics (formerly Invitae), Labcorp); PubMed 21972175 (cited by Labcorp Genetics (formerly Invitae), Labcorp).

NM_000169.3(GLA):c.277G>A (p.Asp93Asn)

Genes: GLA (galactosidase alpha; minus strand), RPL36A-HNRNPH2 (RPL36A-HNRNPH2 readthrough; plus strand). Cytogenetic location: Xq22.1.
Variant type: single nucleotide variant.
Coding change: c.277G>A on transcript NM_000169.3 (MANE Select); coding-DNA position 277, G replaced by A.
Protein change: p.Asp93Asn; replaces aspartic acid 93 with asparagine.
Molecular consequence: missense variant. On other transcripts: non-coding transcript variant (3), intron variant (2).
Genome position (GRCh38, 1-based): chrX:101,403,903, C>T on the plus strand (G>A on the coding strand, the complement: GLA is on the minus strand). VCF-style: chrX-101403903-C-T. GRCh37 (hg19) VCF-style: chrX-100658891-C-T.
Other names: c.400G>A, p.Asp134Asn (NM_001406747.1, NM_001406749.1); c.277G>A, p.Asp93Asn (NM_001406748.1); c.301-8033C>T (NM_001199973.2); c.178-8033C>T (NM_001199974.2); short protein forms D93N, D134N.
Identifiers: ClinVar variation 222205 (VCV000222205.12), dbSNP rs869312270, ClinGen allele CA352482.